The following is an entry in ClinVar:

NM_003742.4(ABCB11):c.2150_2156del (p.His717fs)

Gene: ABCB11 (ATP binding cassette subfamily B member 11; minus strand). Cytogenetic location: 2q31.1.
Variant type: Deletion.
Coding change: c.2150_2156del on transcript NM_003742.4 (MANE Select); coding-DNA positions 2150 to 2156, 7 bases deleted (ATAAGTC; older notation c.2150_2156delATAAGTC).
Protein change: p.His717fs; shifts the reading frame from histidine 717.
Molecular consequence: frameshift variant.
Genome position (GRCh38, 1-based): chr2:168,964,228-168,964,234, GACTTAT deleted on the plus strand (ATAAGTC on the coding strand, the reverse complement: ABCB11 is on the minus strand); deleting any 7 consecutive bases within chr2:168,964,228-168,964,236 gives the same sequence; the c. name uses the placement nearest the transcript's 3' end. VCF-style (leftmost placement, unchanged base first): chr2-168964227-AGACTTAT-A. GRCh37 (hg19) VCF-style: chr2-169820737-AGACTTAT-A.
Other names: short protein forms H717fs.
Identifiers: ClinVar variation 2681095 (VCV002681095.4), dbSNP rs2545364132, ClinGen allele CA2695197074.

ClinVar aggregate classification (germline): Pathogenic/Likely pathogenic. Review status: criteria provided, multiple submitters, no conflicts (2 of 4 stars). 2 submissions from 2 submitters: Pathogenic (1); Likely pathogenic (1). Last evaluated 2022-12-22.

Conditions:
Benign recurrent intrahepatic cholestasis type 2 (BRIC2). Also called: Recurrent familial intrahepatic cholestasis 2. Identifiers: Orphanet 65682, Orphanet 99961, MedGen C2608083, MONDO:0011559, OMIM 605479.

Submissions (2):

Labcorp Genetics (formerly Invitae), Labcorp
Classification: Pathogenic. Last evaluated: 2022-12-22. Review status: criteria provided, single submitter. Criteria: Invitae Variant Classification Sherloc (09022015). Collection method: clinical testing. Allele origin: germline.
Comment: For these reasons, this variant has been classified as Pathogenic. This variant has not been reported in the literature in individuals affected with ABCB11-related conditions. This variant is not present in population databases (gnomAD no frequency). This sequence change creates a premature translational stop signal (p.His717Leufs*27) in the ABCB11 gene. It is expected to result in an absent or disrupted protein product. Loss-of-function variants in ABCB11 are known to be pathogenic (PMID: 18395098, 20232290).

Baylor Genetics
Classification: Likely pathogenic for Benign recurrent intrahepatic cholestasis type 2. Last evaluated: 2022-08-19. Review status: criteria provided, single submitter. Criteria: ACMG Guidelines, 2015. Collection method: clinical testing. Allele origin: unknown.

Literature cited by the submitters: PubMed 18395098 (cited by Labcorp Genetics (formerly Invitae), Labcorp); PubMed 20232290 (cited by Labcorp Genetics (formerly Invitae), Labcorp).